The following is an entry in ClinVar:

ClinVar aggregate classification (germline): Uncertain significance (1 of 4 stars; one submission).

Conditions:
Hereditary cancer-predisposing syndrome. Also called: Tumor predisposition; Hereditary neoplastic syndrome; Hereditary Cancer Syndrome; Neoplastic Syndromes, Hereditary. Identifiers: Orphanet 140162, MedGen C0027672, MeSH D009386, MONDO:0015356.

Submission:

Ambry Genetics
Classification: Uncertain significance for Hereditary cancer-predisposing syndrome. Last evaluated: 2025-05-11. Review status: criteria provided, single submitter. Criteria: Ambry Variant Classification Scheme 2023. Collection method: clinical testing. Allele origin: germline.
Comment: The p.P315A variant (also known as c.943C>G), located in coding exon 5 of the SMARCA4 gene, results from a C to G substitution at nucleotide position 943. The proline at codon 315 is replaced by alanine, an amino acid with highly similar properties. This amino acid position is conserved. In addition, the in silico prediction for this alteration is inconclusive. Based on the available evidence, the clinical significance of this variant remains unclear.

NM_003072.5(SMARCA4):c.943C>G (p.Pro315Ala)

Gene: SMARCA4 (SWI/SNF related BAF chromatin remodeling complex subunit ATPase 4; plus strand). Cytogenetic location: 19p13.2.
Variant type: single nucleotide variant.
Coding change: c.943C>G on transcript NM_003072.5 (MANE Select); coding-DNA position 943, C replaced by G.
Protein change: p.Pro315Ala; replaces proline 315 with alanine.
Molecular consequence: missense variant. On other transcripts: non-coding transcript variant (1).
Genome position (GRCh38, 1-based): chr19:10,987,749, C>G. VCF-style: chr19-10987749-C-G. GRCh37 (hg19) VCF-style: chr19-11098425-C-G.
Other names: c.943C>G, p.Pro315Ala (NM_001128844.3, NM_001128845.2, NM_001128846.2 and 6 more transcripts); short protein forms P315A.
Identifiers: ClinVar variation 3958463 (VCV003958463.1).